The following is an entry in ClinVar:

ClinVar aggregate classification (germline): Uncertain significance. Review status: criteria provided, single submitter (1 of 4 stars). 2 submissions from 2 submitters: Uncertain significance (1). 1 of the submissions does not count toward it. Last evaluated 2021-09-17.

Conditions:
Combined malonic and methylmalonic acidemia. Identifiers: Orphanet 289504, MedGen C3280314, MONDO:0013661, OMIM 614265.
Methylmalonic acidemia (MMA). Also called: Isolated Methylmalonic Acidemia. Identifiers: MedGen C0268583, MeSH C537358, MONDO:0002012, HP:0002912.

Allele frequency attached by ClinVar (database versions not stated): gnomAD 0.00001; 1000 Genomes Project 30x 0.00031; 1000 Genomes Project 0.00040.
gnomAD v4.1: 33 of 1,600,032 alleles (0.0021%); highest among the groups gnomAD compares: South Asian, 0.016%; no homozygotes.

Submissions (2):

Labcorp Genetics (formerly Invitae), Labcorp
Classification: Uncertain significance for Combined malonic and methylmalonic acidemia. Last evaluated: 2021-09-17. Review status: criteria provided, single submitter. Criteria: Invitae Variant Classification Sherloc (09022015). Collection method: clinical testing. Allele origin: germline.
Comment: This sequence change replaces proline with leucine at codon 186 of the ACSF3 protein (p.Pro186Leu). The proline residue is weakly conserved and there is a moderate physicochemical difference between proline and leucine. This variant is present in population databases (rs376098216, ExAC 0.02%). This variant has not been reported in the literature in individuals with ACSF3-related conditions. Algorithms developed to predict the effect of missense changes on protein structure and function output the following: SIFT: "Tolerated"; PolyPhen-2: "Benign"; Align-GVGD: "Class C0". The leucine amino acid residue is found in multiple mammalian species, suggesting that this missense change does not adversely affect protein function. These predictions have not been confirmed by published functional studies and their clinical significance is uncertain. In summary, the available evidence is currently insufficient to determine the role of this variant in disease. Therefore, it has been classified as a Variant of Uncertain Significance.

Natera, Inc.
Classification: Uncertain significance for Methylmalonic acidemia. Last evaluated: 2020-10-13. Review status: no assertion criteria provided. Collection method: clinical testing. Allele origin: germline. Not counted in ClinVar's aggregate classification.

NM_001243279.3(ACSF3):c.557C>T (p.Pro186Leu)

Gene: ACSF3 (acyl-CoA synthetase family member 3; plus strand). Cytogenetic location: 16q24.3.
Variant type: single nucleotide variant.
Coding change: c.557C>T on transcript NM_001243279.3 (MANE Select); coding-DNA position 557, C replaced by T.
Protein change: p.Pro186Leu; replaces proline 186 with leucine.
Molecular consequence: missense variant. On other transcripts: non-coding transcript variant (3), intron variant (1).
Genome position (GRCh38, 1-based): chr16:89,101,238, C>T. VCF-style: chr16-89101238-C-T. GRCh37 (hg19) VCF-style: chr16-89167646-C-T.
Other names: c.557C>T, p.Pro186Leu (NM_001127214.4, NM_174917.5); c.-129-1366C>T (NM_001284316.2); short protein forms P186L.
Identifiers: ClinVar variation 991073 (VCV000991073.3), dbSNP rs376098216, ClinGen allele CA8237690.